The following is an entry in ClinVar:

ClinVar aggregate classification (germline): Uncertain significance (1 of 4 stars; one submission).

gnomAD v4.1: 34 of 1,522,562 alleles (0.0022%); highest among the groups gnomAD compares: Non-Finnish European, 0.0031%; no homozygotes.

Submission:

Labcorp Genetics (formerly Invitae), Labcorp
Classification: Uncertain significance. Last evaluated: 2024-08-05. Review status: criteria provided, single submitter. Criteria: Invitae Variant Classification Sherloc (09022015). Collection method: clinical testing. Allele origin: germline.
Comment: This sequence change replaces tyrosine, which is neutral and polar, with cysteine, which is neutral and slightly polar, at codon 111 of the GMNN protein (p.Tyr111Cys). This variant is present in population databases (rs775208508, gnomAD 0.004%). This variant has not been reported in the literature in individuals affected with GMNN-related conditions. An algorithm developed to predict the effect of missense changes on protein structure and function (PolyPhen-2) suggests that this variant is likely to be tolerated. In summary, the available evidence is currently insufficient to determine the role of this variant in disease. Therefore, it has been classified as a Variant of Uncertain Significance.

NM_015895.5(GMNN):c.332A>G (p.Tyr111Cys)

Gene: GMNN (geminin DNA replication inhibitor; plus strand). Cytogenetic location: 6p22.3.
Variant type: single nucleotide variant.
Coding change: c.332A>G on transcript NM_015895.5 (MANE Select); coding-DNA position 332, A replaced by G.
Protein change: p.Tyr111Cys; replaces tyrosine 111 with cysteine.
Molecular consequence: missense variant.
Genome position (GRCh38, 1-based): chr6:24,784,144, A>G. VCF-style: chr6-24784144-A-G. GRCh37 (hg19) VCF-style: chr6-24784372-A-G.
Other names: c.332A>G, p.Tyr111Cys (NM_001251989.2, NM_001251990.2, NM_001251991.1); short protein forms Y111C.
Identifiers: ClinVar variation 3620233 (VCV003620233.2).